The following is an entry in ClinVar:

NM_058216.3(RAD51C):c.204T>A (p.Cys68Ter)

Gene: RAD51C (RAD51 paralog C; plus strand). Cytogenetic location: 17q22.
Variant type: single nucleotide variant.
Coding change: c.204T>A on transcript NM_058216.3 (MANE Select); coding-DNA position 204, T replaced by A.
Protein change: p.Cys68Ter; replaces cysteine 68 with a stop codon.
Molecular consequence: nonsense. On other transcripts: non-coding transcript variant (2).
Genome position (GRCh38, 1-based): chr17:58,694,989, T>A. VCF-style: chr17-58694989-T-A. GRCh37 (hg19) VCF-style: chr17-56772350-T-A.
Other names: c.204T>A, p.Cys68Ter (NM_002876.4); c.204T>A (NM_058216.1); short protein forms C68*.
Identifiers: ClinVar variation 841203 (VCV000841203.12), dbSNP rs1567785888, ClinGen allele CA400340010.

ClinVar aggregate classification (germline): Pathogenic/Likely pathogenic. Review status: criteria provided, multiple submitters, no conflicts (2 of 4 stars). 3 submissions from 3 submitters: Pathogenic (2); Likely pathogenic (1). Last evaluated 2025-08-03.

Conditions:
Fanconi anemia complementation group O. Also called: RAD51C-Related Fanconi Anemia. Identifiers: Orphanet 84, MedGen C3150653, MONDO:0013248, OMIM 613390.
Breast-ovarian cancer, familial, susceptibility to, 3. Also called: RAD51C-Related Breast/Ovarian Cancer. Identifiers: Orphanet 145, MedGen C3150659, MONDO:0013253, OMIM 613399.

Submissions (3):

GeneDx
Classification: Likely pathogenic. Last evaluated: 2025-08-03. Review status: criteria provided, single submitter. Criteria: GeneDx Variant Classification Process June 2021. Collection method: clinical testing. Allele origin: germline.
Comment: Nonsense variant predicted to result in protein truncation or nonsense mediated decay in a gene for which loss of function is a known mechanism of disease; Not observed at significant frequency in large population cohorts (gnomAD); Observed in an individual with ovarian cancer in the published literature (PMID: 24800917); This variant is associated with the following publications: (PMID: 24800917)

Myriad Genetics, Inc.
Classification: Pathogenic for Breast-ovarian cancer, familial, susceptibility to, 3. Last evaluated: 2023-08-22. Review status: criteria provided, single submitter. Criteria: Myriad Autosomal Dominant, Autosomal Recessive and X-Linked Classification Criteria (2023). Collection method: clinical testing. Allele origin: unknown.
Comment: This variant is considered pathogenic. This variant creates a termination codon and is predicted to result in premature protein truncation.

Labcorp Genetics (formerly Invitae), Labcorp
Classification: Pathogenic for Fanconi anemia complementation group O. Last evaluated: 2019-06-29. Review status: criteria provided, single submitter. Criteria: Invitae Variant Classification Sherloc (09022015). Collection method: clinical testing. Allele origin: germline.
Comment: This sequence change creates a premature translational stop signal (p.Cys68*) in the RAD51C gene. It is expected to result in an absent or disrupted protein product. This variant is not present in population databases (ExAC no frequency). This variant has been observed in an individual affected with ovarian cancer (PMID: 24800917). Loss-of-function variants in RAD51C are known to be pathogenic (PMID: 20400964, 21990120, 24800917). For these reasons, this variant has been classified as Pathogenic.

Literature cited by the submitters: PubMed 24800917 (cited by Labcorp Genetics (formerly Invitae), Labcorp); PubMed 20400964 (cited by Labcorp Genetics (formerly Invitae), Labcorp); PubMed 21990120 (cited by Labcorp Genetics (formerly Invitae), Labcorp).